The following is an entry in ClinVar:

NM_013247.5(HTRA2):c.1225C>T (p.Pro409Ser)

Genes: HTRA2 (HtrA serine peptidase 2; plus strand), LOXL3 (lysyl oxidase like 3; minus strand). Cytogenetic location: 2p13.1.
Variant type: single nucleotide variant.
Coding change: c.1225C>T on transcript NM_013247.5 (MANE Select); coding-DNA position 1225, C replaced by T.
Protein change: p.Pro409Ser; replaces proline 409 with serine.
Molecular consequence: missense variant. On other transcripts: non-coding transcript variant (4), 3 prime UTR variant (3).
Genome position (GRCh38, 1-based): chr2:74,532,833, C>T. VCF-style: chr2-74532833-C-T. GRCh37 (hg19) VCF-style: chr2-74759960-C-T.
Other names: c.1159C>T, p.Pro387Ser (NM_001321727.1); c.1129C>T, p.Pro377Ser (NM_001321728.1); c.934C>T, p.Pro312Ser (NM_145074.2); c.*773G>A (NM_001289164.3, NM_001289165.2, NM_032603.5); short protein forms P387S, P312S, P377S, P409S.
Identifiers: ClinVar variation 2895112 (VCV002895112.3), dbSNP rs777257050, ClinGen allele CA1728613.

ClinVar aggregate classification (germline): Uncertain significance (1 of 4 stars; one submission).

Allele frequency attached by ClinVar (database versions not stated): gnomAD exomes below 0.00001; ExAC 0.00001; TOPMed 0.00001.
gnomAD v4.1: 2 of 1,614,104 alleles (0.00012%); highest among the groups gnomAD compares: Admixed American, 0.0033%; no homozygotes.

Submission:

Labcorp Genetics (formerly Invitae), Labcorp
Classification: Uncertain significance. Last evaluated: 2023-06-15. Review status: criteria provided, single submitter. Criteria: Invitae Variant Classification Sherloc (09022015). Collection method: clinical testing. Allele origin: germline.
Comment: In summary, the available evidence is currently insufficient to determine the role of this variant in disease. Therefore, it has been classified as a Variant of Uncertain Significance. Advanced modeling of protein sequence and biophysical properties (such as structural, functional, and spatial information, amino acid conservation, physicochemical variation, residue mobility, and thermodynamic stability) performed at Invitae indicates that this missense variant is not expected to disrupt HTRA2 protein function. This variant has not been reported in the literature in individuals affected with HTRA2-related conditions. This variant is present in population databases (rs777257050, gnomAD 0.003%). This sequence change replaces proline, which is neutral and non-polar, with serine, which is neutral and polar, at codon 409 of the HTRA2 protein (p.Pro409Ser).